The following is an entry in ClinVar:

ClinVar aggregate classification (germline): Uncertain significance. Review status: criteria provided, multiple submitters, no conflicts (2 of 4 stars). 3 submissions from 3 submitters: Uncertain significance (3). Last evaluated 2026-08-21.

Conditions:
Gastrointestinal stromal tumor. Also called: Gastrointestinal stroma tumor; Gastrointestinal stromal tumor, somatic. Identifiers: Orphanet 44890, MedGen C0238198, MeSH D046152, MONDO:0011719, OMIM 606764, HP:0100723.
Pheochromocytoma/paraganglioma syndrome 3. Also called: GLOMUS TUMORS, FAMILIAL, 3; Paragangliomas 3; SDHC-Related Hereditary Paraganglioma-Pheochromocytoma Syndrome (Paragangliomas 3); SDHC-Related Hereditary Paraganglioma-Pheochromocytoma Syndrome. Identifiers: Orphanet 29072, MedGen C1854336, MONDO:0011544, OMIM 605373.
Carney-Stratakis syndrome. Also called: PARAGANGLIOMA AND GASTROINTESTINAL STROMAL TUMOR. Identifiers: Orphanet 97286, MedGen C1847319, MONDO:0011740, OMIM 606864.
Hereditary cancer-predisposing syndrome. Also called: Tumor predisposition; Hereditary neoplastic syndrome; Neoplastic Syndromes, Hereditary; Hereditary Cancer Syndrome. Identifiers: Orphanet 140162, MedGen C0027672, MeSH D009386, MONDO:0015356.

Allele frequency attached by ClinVar (database versions not stated): gnomAD exomes below 0.00001.
gnomAD v4.1: 1 of 1,613,728 alleles (0.000062%); no homozygotes.

Submissions (3):

Ambry Genetics
Classification: Uncertain significance for Hereditary cancer-predisposing syndrome. Last evaluated: 2026-08-21. Review status: criteria provided, single submitter. Criteria: Ambry Variant Classification Scheme 2023. Collection method: clinical testing. Allele origin: germline.
Comment: The p.A2P variant (also known as c.4G>C), located in coding exon 1 of the SDHC gene, results from a G to C substitution at nucleotide position 4. The alanine at codon 2 is replaced by proline, an amino acid with highly similar properties. This amino acid position is highly conserved in available vertebrate species. In addition, this alteration is predicted to be deleterious by in silico analysis. Based on the available evidence, the clinical significance of this variant remains unclear.

Fulgent Genetics
Classification: Uncertain significance for Pheochromocytoma/paraganglioma syndrome 3; Gastrointestinal stromal tumor; Carney-Stratakis syndrome. Last evaluated: 2024-02-29. Review status: criteria provided, single submitter. Criteria: ACMG Guidelines, 2015. Collection method: clinical testing. Allele origin: germline.

Labcorp Genetics (formerly Invitae), Labcorp
Classification: Uncertain significance for Pheochromocytoma/paraganglioma syndrome 3; Gastrointestinal stromal tumor. Last evaluated: 2023-04-22. Review status: criteria provided, single submitter. Criteria: Invitae Variant Classification Sherloc (09022015). Collection method: clinical testing. Allele origin: germline.
Comment: In summary, the available evidence is currently insufficient to determine the role of this variant in disease. Therefore, it has been classified as a Variant of Uncertain Significance. An algorithm developed to predict the effect of missense changes on protein structure and function (PolyPhen-2) suggests that this variant is likely to be disruptive. ClinVar contains an entry for this variant (Variation ID: 852372). This variant has not been reported in the literature in individuals affected with SDHC-related conditions. This variant is not present in population databases (gnomAD no frequency). This sequence change replaces alanine, which is neutral and non-polar, with proline, which is neutral and non-polar, at codon 2 of the SDHC protein (p.Ala2Pro).

NM_003001.5(SDHC):c.4G>C (p.Ala2Pro)

Gene: SDHC (succinate dehydrogenase complex subunit C; plus strand). Cytogenetic location: 1q23.3.
Variant type: single nucleotide variant.
Coding change: c.4G>C on transcript NM_003001.5 (MANE Select); coding-DNA position 4, G replaced by C.
Protein change: p.Ala2Pro; replaces alanine 2 with proline.
Molecular consequence: missense variant.
Genome position (GRCh38, 1-based): chr1:161,314,409, G>C. VCF-style: chr1-161314409-G-C. GRCh37 (hg19) VCF-style: chr1-161284199-G-C.
Other names: c.4G>C, p.Ala2Pro (NM_001035511.3, NM_001035512.3, NM_001035513.3 and 6 more transcripts); c.-557G>C (NM_001407119.1); c.-226G>C (NM_001407120.1); short protein forms A2P.
Identifiers: ClinVar variation 852372 (VCV000852372.14), dbSNP rs1198315342, ClinGen allele CA343354901.